The following is an entry in ClinVar:

NM_000059.4(BRCA2):c.7500del (p.Arg2500fs)

Gene: BRCA2 (BRCA2 DNA repair associated; plus strand). Cytogenetic location: 13q13.1.
Variant type: Deletion.
Coding change: c.7500del on transcript NM_000059.4 (MANE Select); coding-DNA position 7500, one base deleted (G; older notation c.7500delG).
Protein change: p.Arg2500fs; shifts the reading frame from arginine 2500.
Molecular consequence: frameshift variant.
Genome position (GRCh38, 1-based): chr13:32,356,492, G deleted; the last of 2 consecutive G bases (chr13:32,356,491-32,356,492); deleting either gives the same sequence. VCF-style (leftmost placement, unchanged base first): chr13-32356490-AG-A. GRCh37 (hg19) VCF-style: chr13-32930627-AG-A.
Other names: short protein forms R2500fs.
Identifiers: ClinVar variation 629101 (VCV000629101.14), dbSNP rs1566241962, ClinGen allele CA913188525.

ClinVar aggregate classification (germline): Pathogenic. Review status: criteria provided, multiple submitters, no conflicts (2 of 4 stars). 2 submissions from 2 submitters: Pathogenic (2). Last evaluated 2022-01-11.

Conditions:
Hereditary cancer-predisposing syndrome. Also called: Neoplastic Syndromes, Hereditary; Tumor predisposition; Hereditary neoplastic syndrome; Hereditary Cancer Syndrome. Identifiers: Orphanet 140162, MedGen C0027672, MeSH D009386, MONDO:0015356.
Hereditary breast ovarian cancer syndrome. Also called: Hereditary breast and ovarian cancer syndrome; Hereditary breast and ovarian cancer; Hereditary breast and ovarian cancer syndrome (HBOC); Breast and ovarian cancer; Hereditary breast and/or ovarian cancer syndrome; BRCA1- and BRCA2-Associated Hereditary Breast and Ovarian Cancer. Identifiers: Orphanet 145, MedGen C0677776, MeSH D061325, MONDO:0003582. Disease mechanism: loss of function.

Submissions (2):

Labcorp Genetics (formerly Invitae), Labcorp
Classification: Pathogenic for Hereditary breast ovarian cancer syndrome. Last evaluated: 2022-01-11. Review status: criteria provided, single submitter. Criteria: Invitae Variant Classification Sherloc (09022015). Collection method: clinical testing. Allele origin: germline.
Comment: For these reasons, this variant has been classified as Pathogenic. ClinVar contains an entry for this variant (Variation ID: 629101). This variant has not been reported in the literature in individuals affected with BRCA2-related conditions. This variant is not present in population databases (gnomAD no frequency). This sequence change creates a premature translational stop signal (p.Arg2500Serfs*24) in the BRCA2 gene. It is expected to result in an absent or disrupted protein product. Loss-of-function variants in BRCA2 are known to be pathogenic (PMID: 20104584).

Color Diagnostics, LLC DBA Color Health
Classification: Pathogenic for Hereditary cancer-predisposing syndrome. Last evaluated: 2020-01-15. Review status: criteria provided, single submitter. Criteria: ACMG Guidelines, 2015. Collection method: clinical testing. Allele origin: germline.
Comment: This variant deletes 1 nucleotide in exon 15 of the BRCA2 gene, creating a frameshift and premature translation stop signal. This variant is expected to result in an absent or non-functional protein product. This variant has not been identified in the general population by the Genome Aggregation Database (gnomAD). Loss of BRCA2 function is a known mechanism of disease. Based on the available evidence, this variant is classified as Pathogenic.

Literature cited by the submitters: PubMed 20104584 (cited by Labcorp Genetics (formerly Invitae), Labcorp).